The following is an entry in ClinVar:

ClinVar aggregate classification (germline): Uncertain significance (1 of 4 stars; one submission).

Submission:

GeneDx
Classification: Uncertain significance. Last evaluated: 2026-02-25. Review status: criteria provided, single submitter. Criteria: GeneDx Variant Classification Process June 2021. Collection method: clinical testing. Allele origin: germline.
Comment: Not observed at significant frequency in large population cohorts (gnomAD); In silico analysis supports that this missense variant has a deleterious effect on protein structure/function; Has not been previously published as pathogenic or benign to our knowledge

NM_138694.4(PKHD1):c.10541T>C (p.Phe3514Ser)

Gene: PKHD1 (PKHD1 ciliary IPT domain containing fibrocystin/polyductin; minus strand). Cytogenetic location: 6p12.3.
Variant type: single nucleotide variant.
Coding change: c.10541T>C on transcript NM_138694.4 (MANE Select); coding-DNA position 10541, T replaced by C.
Protein change: p.Phe3514Ser; replaces phenylalanine 3514 with serine.
Molecular consequence: missense variant.
Genome position (GRCh38, 1-based): chr6:51,659,585, A>G on the plus strand (T>C on the coding strand, the complement: PKHD1 is on the minus strand). VCF-style: chr6-51659585-A-G. GRCh37 (hg19) VCF-style: chr6-51524383-A-G.
Other names: short protein forms F3514S.
Identifiers: ClinVar variation 5010080 (VCV005010080.1).